The following is an entry in ClinVar:

ClinVar aggregate classification (germline): Pathogenic. Review status: criteria provided, multiple submitters, no conflicts (2 of 4 stars). 2 submissions from 2 submitters: Pathogenic (2). Last evaluated 2025-11-07.

Conditions:
CHRNG-related disorder. Also called: CHRNG-related condition; CHRNG-related disorders.

Submissions (2):

3billion
Classification: Pathogenic for CHRNG-related disorder. Last evaluated: 2025-11-07. Review status: criteria provided, single submitter. Criteria: ACMG Guidelines, 2015. Collection method: clinical testing. Allele origin: germline. Affected: yes.
Comment: The variant is not observed in the gnomAD v4.1.0 dataset. Predicted Consequence/Location: Stop-gained (nonsense): predicted to result in a loss or disruption of normal protein function through nonsense-mediated decay (NMD) or protein truncation. Multiple pathogenic variants are reported downstream of the variant. The variant has been reported to be associated with CHRNG-related disorder (ClinVar ID: VCV002961828). Therefore, this variant is classified as Pathogenic according to the recommendation of ACMG/AMP guideline.

Labcorp Genetics (formerly Invitae), Labcorp
Classification: Pathogenic. Last evaluated: 2023-03-12. Review status: criteria provided, single submitter. Criteria: Invitae Variant Classification Sherloc (09022015). Collection method: clinical testing. Allele origin: germline.
Comment: For these reasons, this variant has been classified as Pathogenic. This variant is not present in population databases (gnomAD no frequency). This variant has not been reported in the literature in individuals affected with CHRNG-related conditions. This sequence change creates a premature translational stop signal (p.Gln188*) in the CHRNG gene. It is expected to result in an absent or disrupted protein product. Loss-of-function variants in CHRNG are known to be pathogenic (PMID: 16826520).

Literature cited by the submitters: PubMed 16826520 (cited by Labcorp Genetics (formerly Invitae), Labcorp).

NM_005199.5(CHRNG):c.562C>T (p.Gln188Ter)

Gene: CHRNG (cholinergic receptor nicotinic gamma subunit; plus strand). Cytogenetic location: 2q37.1.
Variant type: single nucleotide variant.
Coding change: c.562C>T on transcript NM_005199.5 (MANE Select); coding-DNA position 562, C replaced by T.
Protein change: p.Gln188Ter; replaces glutamine 188 with a stop codon.
Molecular consequence: nonsense.
Genome position (GRCh38, 1-based): chr2:232,542,478, C>T. VCF-style: chr2-232542478-C-T. GRCh37 (hg19) VCF-style: chr2-233407188-C-T.
Other names: short protein forms Q188*.
Identifiers: ClinVar variation 2961828 (VCV002961828.4), dbSNP rs2469750392, ClinGen allele CA351011192.
Genomic context (GRCh38, chr2:232,542,478, plus strand): 5'-CCCAGGTCCCAGACTTACAGCACCAATGAGATTGATCTGCAGCTGAGTCAGGAAGATGGC[C>T]AGACCATCGAGTGGATTTTCATTGACCCTGAGGCCTTCACAGGTAACCCCCACCCAAGGG-3'